The following is an entry in ClinVar:

NC_000023.11:g.(?_32287519)_(32390191_?)del

Gene: DMD (dystrophin; minus strand). Cytogenetic location: Xp21.1.
Variant type: Deletion.
Identifiers: ClinVar variation 3248108 (VCV003248108.1).

ClinVar aggregate classification (germline): Pathogenic (1 of 4 stars; one submission).

Conditions:
Duchenne muscular dystrophy (DMD). Also called: MUSCULAR DYSTROPHY, PSEUDOHYPERTROPHIC PROGRESSIVE, DUCHENNE TYPE; Duchenne Muscular Dystrophy (DMD). Identifiers: Orphanet 98896, MedGen C0013264, MONDO:0010679, OMIM 310200.

Submission:

Labcorp Genetics (formerly Invitae), Labcorp
Classification: Pathogenic for Duchenne muscular dystrophy. Last evaluated: 2023-08-10. Review status: criteria provided, single submitter. Criteria: Invitae Variant Classification Sherloc (09022015). Collection method: clinical testing. Allele origin: unknown.
Comment: This variant is a gross deletion of the genomic region encompassing exon(s) 31-43 of the DMD gene. This deletion is out-of-frame, and is expected to create a premature termination codon and result in an absent or disrupted protein product. Loss-of-function variants in DMD are known to be pathogenic (PMID: 16770791, 25007885). A similar copy number variant has been observed in individuals with dystrophinopathies (PMID: 17854090, 22090376). For these reasons, this variant has been classified as Pathogenic.

Literature cited by the submitters: PubMed 16770791; PubMed 25007885; PubMed 17854090; PubMed 22090376.